The following is an entry in ClinVar:

NM_033305.3(VPS13A):c.3604C>T (p.Gln1202Ter)

Gene: VPS13A (vacuolar protein sorting 13 homolog A; plus strand). Cytogenetic location: 9q21.2.
Variant type: single nucleotide variant.
Coding change: c.3604C>T on transcript NM_033305.3 (MANE Select); coding-DNA position 3604, C replaced by T.
Protein change: p.Gln1202Ter; replaces glutamine 1202 with a stop codon.
Molecular consequence: nonsense.
Genome position (GRCh38, 1-based): chr9:77,295,638, C>T. VCF-style: chr9-77295638-C-T. GRCh37 (hg19) VCF-style: chr9-79910554-C-T.
Other names: c.3604C>T, p.Gln1202Ter (NM_001018038.3, NM_015186.4); c.3487C>T, p.Gln1163Ter (NM_001018037.2); short protein forms Q1163*, Q1202*.
Identifiers: ClinVar variation 4816396 (VCV004816396.1).

ClinVar aggregate classification (germline): Likely pathogenic (1 of 4 stars; one submission).

Conditions:
VPS13A-related neurodegenerative disease. Also called: LEVINE-CRITCHLEY SYNDROME; Choreoacanthocytosis; Chorea-acanthocytosis; ACANTHOCYTOSIS WITH NEUROLOGIC DISORDER; VPS13A Disease; Choreaacanthocytosis. Identifiers: Orphanet 2388, MedGen C0393576, MONDO:0008695, OMIM 200150.

Submission:

Natera, Inc.
Classification: Likely pathogenic for Choreaacanthocytosis. Last evaluated: 2025-11-10. Review status: criteria provided, single submitter. Criteria: Natera Variant Classification Schema (03/2026). Collection method: clinical testing. Allele origin: germline.
Comment: The c.3604C>T variant in VPS13A is a nonsense variant predicted to introduce a stop codon at amino acid 1202. This variant is expected to result in nonsense mediated decay, truncation, or a dysfunctional protein product. This variant is rare in the general population with a frequency below the threshold expected for the associated phenotype(s). Given the available evidence, this variant is classified as Likely Pathogenic.